The following is an entry in ClinVar:

ClinVar aggregate classification (germline): Uncertain significance (1 of 4 stars; one submission).

Allele frequency attached by ClinVar (database versions not stated): ESP Exome Variant Server 0.00008.
gnomAD v4.1: 2 of 1,614,006 alleles (0.00012%); highest among the groups gnomAD compares: Non-Finnish European, 0.00017%; no homozygotes.

Submission:

Labcorp Genetics (formerly Invitae), Labcorp
Classification: Uncertain significance. Last evaluated: 2022-03-19. Review status: criteria provided, single submitter. Criteria: Invitae Variant Classification Sherloc (09022015). Collection method: clinical testing. Allele origin: germline.
Comment: This sequence change replaces alanine, which is neutral and non-polar, with threonine, which is neutral and polar, at codon 1862 of the VCAN protein (p.Ala1862Thr). In summary, the available evidence is currently insufficient to determine the role of this variant in disease. Therefore, it has been classified as a Variant of Uncertain Significance. Algorithms developed to predict the effect of missense changes on protein structure and function output the following: SIFT: "Tolerated"; PolyPhen-2: "Benign"; Align-GVGD: "Class C0". The threonine amino acid residue is found in multiple mammalian species, which suggests that this missense change does not adversely affect protein function. This variant has not been reported in the literature in individuals affected with VCAN-related conditions. This variant is not present in population databases (gnomAD no frequency).

NM_004385.5(VCAN):c.5584G>A (p.Ala1862Thr)

Genes: VCAN (versican; plus strand), VCAN-AS1 (VCAN antisense RNA 1; minus strand). Cytogenetic location: 5q14.3.
Variant type: single nucleotide variant.
Coding change: c.5584G>A on transcript NM_004385.5 (MANE Select); coding-DNA position 5584, G replaced by A.
Protein change: p.Ala1862Thr; replaces alanine 1862 with threonine.
Molecular consequence: missense variant. On other transcripts: intron variant (2).
Genome position (GRCh38, 1-based): chr5:83,538,587, G>A. VCF-style: chr5-83538587-G-A. GRCh37 (hg19) VCF-style: chr5-82834406-G-A.
Other names: c.2623G>A, p.Ala875Thr (NM_001164097.2); c.4004-6950G>A (NM_001164098.2); c.1043-6950G>A (NM_001126336.3); short protein forms A1862T, A875T.
Identifiers: ClinVar variation 1414098 (VCV001414098.8), dbSNP rs147865620, ClinGen allele CA121809556.